The following is an entry in ClinVar:

ClinVar aggregate classification (germline): Benign/Likely benign. Review status: criteria provided, multiple submitters, no conflicts (2 of 4 stars). 11 submissions from 11 submitters: Benign (6); Likely benign (2). 3 of the submissions do not count toward it. Last evaluated 2026-02-04.

Conditions:
Inborn genetic diseases. Identifiers: MedGen C0950123, MeSH D030342.
Late-infantile neuronal ceroid lipofuscinosis. Also called: Jansky-Bielschowsky disease. Identifiers: MedGen C0022340, MONDO:0015674.
Neuronal ceroid lipofuscinosis 7 (CLN7). Also called: MFSD8-Related Neuronal Ceroid-Lipofuscinosis. Identifiers: Orphanet 168491, Orphanet 228366, MedGen C1838571, MONDO:0012588, OMIM 610951.

Allele frequency attached by ClinVar (database versions not stated): TOPMed 0.01767; gnomAD exomes 0.02521 and 0.00660; 1000 Genomes Project 30x 0.03389; ESP Exome Variant Server 0.00146; gnomAD 0.01088 and 0.01224; ExAC 0.02048; 1000 Genomes Project 0.03255.
gnomAD v4.1: 11,657 of 1,614,010 alleles (0.72%); highest among the groups gnomAD compares: Admixed American, 10%; 575 homozygotes.

Submissions (11):

Labcorp Genetics (formerly Invitae), Labcorp
Classification: Benign for Neuronal ceroid lipofuscinosis 7. Last evaluated: 2026-02-04. Review status: criteria provided, single submitter. Criteria: Invitae Variant Classification Sherloc (09022015). Collection method: clinical testing. Allele origin: germline.

Women's Health and Genetics/Laboratory Corporation of America, LabCorp
Classification: Likely benign. Last evaluated: 2021-12-10. Review status: criteria provided, single submitter. Criteria: LabCorp Variant Classification Summary - May 2015. Collection method: clinical testing. Allele origin: germline.

Athena Diagnostics
Classification: Benign. Last evaluated: 2018-12-27. Review status: criteria provided, single submitter. Criteria: Athena Diagnostics Criteria. Collection method: clinical testing. Allele origin: germline.

GeneDx
Classification: Benign. Last evaluated: 2018-12-05. Review status: criteria provided, single submitter. Criteria: GeneDx Variant Classification Process June 2021. Collection method: clinical testing. Allele origin: germline. Affected: yes.
Comment: This variant is associated with the following publications: (PMID: 27903347, 30382371)

Illumina Laboratory Services, Illumina
Classification: Benign for Neuronal ceroid lipofuscinosis 7. Last evaluated: 2018-01-13. Review status: criteria provided, single submitter. Criteria: ICSL Variant Classification Criteria 13 December 2019. Collection method: clinical testing. Allele origin: germline.
Comment: This variant was observed in the ICSL laboratory as part of a predisposition screen in an ostensibly healthy population. It had not been previously curated by ICSL or reported in the Human Gene Mutation Database (HGMD: prior to June 1st, 2018), and was therefore a candidate for classification through an automated scoring system. Utilizing variant allele frequency, disease prevalence and penetrance estimates, and inheritance mode, an automated score was calculated to assess if this variant is too frequent to cause the disease. Based on the score and internal cut-off values, a variant classified as benign is not then subjected to further curation. The score for this variant resulted in a classification of benign for this disease.

Ambry Genetics
Classification: Benign for Inborn genetic diseases. Last evaluated: 2016-02-25. Review status: criteria provided, single submitter. Criteria: Ambry Variant Classification Scheme 2023. Collection method: clinical testing. Allele origin: germline.

Eurofins Ntd Llc (ga)
Classification: Benign. Last evaluated: 2014-04-07. Review status: criteria provided, single submitter. Criteria: EGL Classification Definitions 2015. Collection method: clinical testing. Allele origin: germline. Observed: 1 variant allele, 1 homozygote.

Breakthrough Genomics
Classification: Likely benign. Review status: criteria provided, single submitter. Criteria: ACMG Guidelines, 2015. Collection method: not provided. Allele origin: germline. Inheritance: Autosomal recessive inheritance. Affected: yes.

Natera, Inc.
Classification: Benign for Late-infantile neuronal ceroid lipofuscinosis. Last evaluated: 2020-09-16. Review status: no assertion criteria provided. Collection method: clinical testing. Allele origin: germline. Not counted in ClinVar's aggregate classification.

Mayo Clinic Laboratories, Mayo Clinic
Classification: Benign. Last evaluated: 2017-03-16. Review status: no assertion criteria provided. Collection method: clinical testing. Allele origin: unknown. Not counted in ClinVar's aggregate classification.

Genetic Services Laboratory, University of Chicago
Classification: Likely benign for AllHighlyPenetrant. Review status: no assertion criteria provided. Collection method: clinical testing. Allele origin: germline. Inheritance: Autosomal recessive inheritance. Not counted in ClinVar's aggregate classification.
Comment: Likely benign based on allele frequency in 1000 Genomes Project or ESP global frequency and its presence in a patient with a rare or unrelated disease phenotype. NOT Sanger confirmed.

NM_001371596.2(MFSD8):c.1153G>C (p.Gly385Arg)

Gene: MFSD8 (major facilitator superfamily domain containing 8; minus strand). Cytogenetic location: 4q28.2.
Variant type: single nucleotide variant.
Coding change: c.1153G>C on transcript NM_001371596.2 (MANE Select); coding-DNA position 1153, G replaced by C.
Protein change: p.Gly385Arg; replaces glycine 385 with arginine.
Molecular consequence: missense variant.
Genome position (GRCh38, 1-based): chr4:127,921,721, C>G on the plus strand (G>C on the coding strand, the complement: MFSD8 is on the minus strand). VCF-style: chr4-127921721-C-G. GRCh37 (hg19) VCF-style: chr4-128842876-C-G.
Other names: p.G385R:GGT>CGT; c.952G>C, p.Gly318Arg (NM_001363520.3); c.838G>C, p.Gly280Arg (NM_001363521.3); c.1018G>C, p.Gly340Arg (NM_001371590.2); c.1153G>C, p.Gly385Arg (NM_001371591.2, NM_152778.4); c.1159G>C, p.Gly387Arg (NM_001371592.2); c.1039G>C, p.Gly347Arg (NM_001371593.2); c.1006G>C, p.Gly336Arg (NM_001371594.2); and 3 more; short protein forms G385R, G318R, G280R, G291R, G336R, G340R, G347R, G387R.
Identifiers: ClinVar variation 129608 (VCV000129608.29), dbSNP rs11098943, ClinGen allele CA153693.